The following is an entry in ClinVar:

NM_001709.5(BDNF):c.321C>T (p.Leu107=)

Genes: BDNF (brain derived neurotrophic factor; minus strand), BDNF-AS (BDNF antisense RNA; plus strand). Cytogenetic location: 11p14.1.
Variant type: single nucleotide variant.
Coding change: c.321C>T on transcript NM_001709.5 (MANE Select); coding-DNA position 321, C replaced by T.
Protein change: p.Leu107=; no amino-acid change (leucine 107 retained).
Molecular consequence: synonymous variant. On other transcripts: non-coding transcript variant (5).
Genome position (GRCh38, 1-based): chr11:27,658,244, G>A on the plus strand (C>T on the coding strand, the complement: BDNF is on the minus strand). VCF-style: chr11-27658244-G-A. GRCh37 (hg19) VCF-style: chr11-27679791-G-A.
Other names: c.321C>T, p.Leu107= (NM_001143805.1, NM_001143806.1, NM_001143807.2 and 9 more transcripts); c.408C>T, p.Leu136= (NM_001143809.2); c.567C>T, p.Leu189= (NM_001143810.2); c.345C>T, p.Leu115= (NM_170731.5); c.366C>T, p.Leu122= (NM_170734.4); c.567C>T (NM_001143810.1).
Identifiers: ClinVar variation 3824103 (VCV003824103.2).
Genomic context (GRCh38, chr11:27,658,244, plus strand): 5'-CCGGACCCTCATGGACATGTTTGCAGCATCTAGGTAATTTTTGTATTCCTCCAGCAGAAA[G>A]AGAAGAGGAGGCTCCAAAGGCACTTGACTACTGAGCATCACCCTGGACGTGTACAAGTCT-3'
Protein context (NP_001700.2, residues 97-117): SSQVPLEPPL[Leu107=]FLLEEYKNYL

ClinVar aggregate classification (germline): Likely benign. Review status: criteria provided, multiple submitters, no conflicts (2 of 4 stars). 2 submissions from 2 submitters: Likely benign (2). Last evaluated 2025-02-14.

Conditions:
BDNF-related disorder. Also called: BDNF-related condition.
Inborn genetic diseases. Identifiers: MedGen C0950123, MeSH D030342.

Submissions (2):

Ambry Genetics
Classification: Likely benign for Inborn genetic diseases. Last evaluated: 2025-02-14. Review status: criteria provided, single submitter. Criteria: Ambry Variant Classification Scheme 2023. Collection method: clinical testing. Allele origin: germline.

PreventionGenetics, part of Exact Sciences
Classification: Likely benign for BDNF-related condition. Last evaluated: 2025-01-07. Review status: criteria provided, single submitter. Criteria: ACMG Guidelines, 2015. Collection method: clinical testing. Allele origin: germline.
Comment: This variant is classified as likely benign based on ACMG/AMP sequence variant interpretation guidelines (Richards et al. 2015 PMID: 25741868, with internal and published modifications).